The following is an entry in ClinVar:

NM_007294.4(BRCA1):c.212+16A>G

Gene: BRCA1 (BRCA1 DNA repair associated; minus strand). Cytogenetic location: 17q21.31.
Variant type: single nucleotide variant.
Coding change: c.212+16A>G on transcript NM_007294.4 (MANE Select); 16 bases into the intron after coding-DNA position 212, A replaced by G.
Molecular consequence: intron variant.
Genome position (GRCh38, 1-based): chr17:43,106,440, T>C on the plus strand (A>G on the coding strand, the complement: BRCA1 is on the minus strand). VCF-style: chr17-43106440-T-C. GRCh37 (hg19) VCF-style: chr17-41258457-T-C.
Other names: c.71+16A>G (NM_001407741.1, NM_001408458.1, NM_001407931.1 and 99 more transcripts); c.135-1484A>G (NM_001408415.1, NM_001408475.1, NM_001407875.1 and 21 more transcripts); c.2+38A>G (NM_001408483.1, NM_001407885.1, NM_001407886.1 and 58 more transcripts); c.212+16A>G (NM_001407634.1, NM_001407610.1, NM_001408442.1 and 167 more transcripts); c.-218-11580A>G (NM_001407967.1, NM_001407966.1); c.-169-1484A>G (NM_001407959.1, NM_001407962.1, NM_001408512.1 and 4 more transcripts); c.81-1484A>G (NM_001408451.1).
Identifiers: ClinVar variation 384783 (VCV000384783.15), dbSNP rs1057522049, ClinGen allele CA16607280.

ClinVar aggregate classification (germline): Likely benign. Review status: criteria provided, multiple submitters, no conflicts (2 of 4 stars). 6 submissions from 6 submitters: Likely benign (2). 4 of the submissions do not count toward it. Last evaluated 2024-02-22.

Conditions:
Hereditary breast ovarian cancer syndrome. Also called: Hereditary breast and ovarian cancer syndrome; Hereditary breast and ovarian cancer; Breast and ovarian cancer; BRCA1- and BRCA2-Associated Hereditary Breast and Ovarian Cancer; Hereditary breast and/or ovarian cancer syndrome; Hereditary breast and ovarian cancer syndrome (HBOC). Identifiers: Orphanet 145, MedGen C0677776, MeSH D061325, MONDO:0003582. Disease mechanism: loss of function.

Allele frequency attached by ClinVar (database versions not stated): TOPMed 0.00001; gnomAD exomes 0.00002 and 0.00003.
gnomAD v4.1: 15 of 1,532,136 alleles (0.00098%); highest among the groups gnomAD compares: South Asian, 0.013%; no homozygotes.

Submissions (6):

Labcorp Genetics (formerly Invitae), Labcorp
Classification: Likely benign for Hereditary breast ovarian cancer syndrome. Last evaluated: 2024-02-22. Review status: criteria provided, single submitter. Criteria: Invitae Variant Classification Sherloc (09022015). Collection method: clinical testing. Allele origin: germline.

GeneDx
Classification: Likely benign. Last evaluated: 2016-03-13. Review status: criteria provided, single submitter. Criteria: GeneDx Variant Classification (06012015). Collection method: clinical testing. Allele origin: germline. Affected: yes.
Comment: This variant is considered likely benign or benign based on one or more of the following criteria: it is a conservative change, it occurs at a poorly conserved position in the protein, it is predicted to be benign by multiple in silico algorithms, and/or has population frequency not consistent with disease.

Clinical Genetics DNA and cytogenetics Diagnostics Lab, Erasmus MC, Erasmus Medical Center
Classification: Likely benign. Review status: no assertion criteria provided. Collection method: clinical testing. Allele origin: germline. Affected: yes. Study: VKGL Data-share Consensus. Not counted in ClinVar's aggregate classification.

Clinical Genetics Laboratory, Department of Pathology, Netherlands Cancer Institute
Classification: Likely benign. Review status: no assertion criteria provided. Collection method: clinical testing. Allele origin: germline. Affected: yes. Study: VKGL Data-share Consensus. Not counted in ClinVar's aggregate classification.

Genome Diagnostics Laboratory, University Medical Center Utrecht
Classification: Likely benign. Review status: no assertion criteria provided. Collection method: clinical testing. Allele origin: germline. Affected: yes. Study: VKGL Data-share Consensus. Not counted in ClinVar's aggregate classification.

Joint Genome Diagnostic Labs from Nijmegen and Maastricht, Radboudumc and MUMC+
Classification: Likely benign. Review status: no assertion criteria provided. Collection method: clinical testing. Allele origin: germline. Affected: yes. Study: VKGL Data-share Consensus. Not counted in ClinVar's aggregate classification.